The following is an entry in ClinVar:

NM_001256545.2(MEGF10):c.1051G>A (p.Glu351Lys)

Gene: MEGF10 (multiple EGF like domains 10; plus strand). Cytogenetic location: 5q23.2.
Variant type: single nucleotide variant.
Coding change: c.1051G>A on transcript NM_001256545.2 (MANE Select); coding-DNA position 1051, G replaced by A.
Protein change: p.Glu351Lys; replaces glutamic acid 351 with lysine.
Molecular consequence: missense variant.
Genome position (GRCh38, 1-based): chr5:127,410,522, G>A. VCF-style: chr5-127410522-G-A. GRCh37 (hg19) VCF-style: chr5-126746214-G-A.
Other names: c.1051G>A, p.Glu351Lys (NM_001308119.2, NM_001308121.2, NM_032446.3); short protein forms E351K.
Identifiers: ClinVar variation 1005649 (VCV001005649.5), dbSNP rs761988715, ClinGen allele CA3391469.

ClinVar aggregate classification (germline): Uncertain significance (1 of 4 stars; one submission).

Conditions:
MEGF10-related myopathy (CMYO10A). Also called: Congenital myopathy 10A, severe variant. Identifiers: Orphanet 439212, MedGen C3280679, MONDO:0013731, OMIM 614399.

Allele frequency attached by ClinVar (database versions not stated): ExAC 0.00001; gnomAD 0.00001; gnomAD exomes 0.00002 and 0.00006; TOPMed 0.00002.
gnomAD v4.1: 89 of 1,613,636 alleles (0.0055%); highest among the groups gnomAD compares: Middle Eastern, 0.016%; no homozygotes.

Submission:

Labcorp Genetics (formerly Invitae), Labcorp
Classification: Uncertain significance for MEGF10-related myopathy. Last evaluated: 2025-11-27. Review status: criteria provided, single submitter. Criteria: Invitae Variant Classification Sherloc (09022015). Collection method: clinical testing. Allele origin: germline.
Comment: This sequence change replaces glutamic acid, which is acidic and polar, with lysine, which is basic and polar, at codon 351 of the MEGF10 protein (p.Glu351Lys). This variant is present in population databases (rs761988715, gnomAD 0.004%). This variant has not been reported in the literature in individuals affected with MEGF10-related conditions. ClinVar contains an entry for this variant (Variation ID: 1005649). Invitae Evidence Modeling of protein sequence and biophysical properties (such as structural, functional, and spatial information, amino acid conservation, physicochemical variation, residue mobility, and thermodynamic stability) indicates that this missense variant is not expected to disrupt MEGF10 protein function with a negative predictive value of 80%. In summary, the available evidence is currently insufficient to determine the role of this variant in disease. Therefore, it has been classified as a Variant of Uncertain Significance.